The following is an entry in ClinVar:

NM_005076.5(CNTN2):c.1964A>G (p.Gln655Arg)

Gene: CNTN2 (contactin 2; plus strand). Cytogenetic location: 1q32.1.
Variant type: single nucleotide variant.
Coding change: c.1964A>G on transcript NM_005076.5 (MANE Select); coding-DNA position 1964, A replaced by G.
Protein change: p.Gln655Arg; replaces glutamine 655 with arginine.
Molecular consequence: missense variant. On other transcripts: non-coding transcript variant (1).
Genome position (GRCh38, 1-based): chr1:205,066,588, A>G. VCF-style: chr1-205066588-A-G. GRCh37 (hg19) VCF-style: chr1-205035716-A-G.
Other names: c.1964A>G, p.Gln655Arg (NM_001346083.2); short protein forms Q655R.
Identifiers: ClinVar variation 1979991 (VCV001979991.1), dbSNP rs2526397460, ClinGen allele CA344376543.

ClinVar aggregate classification (germline): Uncertain significance (1 of 4 stars; one submission).

Conditions:
Epilepsy, familial adult myoclonic, 5 (EPEO5). Also called: CORTICAL MYOCLONIC TREMOR WITH EPILEPSY, FAMILIAL, 5. Identifiers: Orphanet 86814, MedGen C3809374, MONDO:0014167, OMIM 615400.

Allele frequency attached by ClinVar (database versions not stated): gnomAD exomes below 0.00001.
gnomAD v4.1: 1 of 1,613,968 alleles (0.000062%); highest among the groups gnomAD compares: Non-Finnish European, 0.000085%; no homozygotes.

Submission:

Labcorp Genetics (formerly Invitae), Labcorp
Classification: Uncertain significance for Epilepsy, familial adult myoclonic, 5. Last evaluated: 2022-03-27. Review status: criteria provided, single submitter. Criteria: Invitae Variant Classification Sherloc (09022015). Collection method: clinical testing. Allele origin: germline.
Comment: This sequence change replaces glutamine, which is neutral and polar, with arginine, which is basic and polar, at codon 655 of the CNTN2 protein (p.Gln655Arg). This variant is not present in population databases (gnomAD no frequency). This variant has not been reported in the literature in individuals affected with CNTN2-related conditions. Advanced modeling of protein sequence and biophysical properties (such as structural, functional, and spatial information, amino acid conservation, physicochemical variation, residue mobility, and thermodynamic stability) performed at Invitae indicates that this missense variant is not expected to disrupt CNTN2 protein function. Algorithms developed to predict the effect of sequence changes on RNA splicing suggest that this variant may disrupt the consensus splice site. In summary, the available evidence is currently insufficient to determine the role of this variant in disease. Therefore, it has been classified as a Variant of Uncertain Significance.